The following is an entry in ClinVar:

ClinVar aggregate classification (germline): Pathogenic (1 of 4 stars; one submission).

Conditions:
Deficiency of steroid 11-beta-monooxygenase (CYP11B1). Also called: ADRENAL HYPERPLASIA, CONGENITAL, DUE TO STEROID 11-BETA-HYDROXYLASE DEFICIENCY; 11-BETA-HYDROXYLASE DEFICIENCY; ADRENAL HYPERPLASIA IV; P450C11B1 DEFICIENCY; STEROID 11-BETA-HYDROXYLASE DEFICIENCY; Congenital adrenal hyperplasia due to 11-beta-hydroxylase deficiency. Identifiers: Orphanet 90795, MedGen C0268292, MONDO:0008729, OMIM 202010. Disease mechanism: loss of function.

Submission:

Myriad Genetics, Inc.
Classification: Pathogenic for Deficiency of steroid 11-beta-monooxygenase. Last evaluated: 2026-01-02. Review status: criteria provided, single submitter. Criteria: Myriad Autosomal Dominant, Autosomal Recessive and X-Linked Classification Criteria (2023). Collection method: clinical testing. Allele origin: unknown.
Comment: NM_000497.3(CYP11B1):c.450delG(N152Tfs*21) is expected to be pathogenic in the context of congenital adrenal hyperplasia, CYP11B1-related. This variant is predicted to lead to an abnormal or absent protein product due to the creation of a premature termination codon in CYP11B1, a gene where loss-of-function variants are known to be pathogenic. Please note: this variant was assessed in the context of healthy population screening.

NM_000497.4(CYP11B1):c.450del (p.Asn152fs)

Genes: CYP11B1 (cytochrome P450 family 11 subfamily B member 1; minus strand), LOC106799833 (CYP11B1 recombination region; plus strand). Cytogenetic location: 8q24.3.
Variant type: Deletion.
Coding change: c.450del on transcript NM_000497.4 (MANE Select); coding-DNA position 450, one base deleted (G; older notation c.450delG).
Protein change: p.Asn152fs; shifts the reading frame from asparagine 152.
Molecular consequence: frameshift variant.
Genome position (GRCh38, 1-based): chr8:142,877,168, C deleted on the plus strand (G on the coding strand, the reverse complement: CYP11B1 is on the minus strand). VCF-style (leftmost placement, unchanged base first): chr8-142877167-GC-G. GRCh37 (hg19) VCF-style: chr8-143958583-GC-G.
Other names: c.450del, p.Asn152fs (NM_001026213.1); short protein forms N152fs.
Identifiers: ClinVar variation 5015387 (VCV005015387.1).
Genomic context (GRCh38, chr8:142,877,167, plus strand): 5'-CCTGGGAGAAGTCCCTGGCCACTGCATCCACCATCGGGAGGAACCTCTGCACAGCGTTGG[GC>G]GACAGCACTTCTGGATTCAGCCGCAATCGGTTGAAGCGCCATTCAGGCCCATTCCTACAG-3'